The following is an entry in ClinVar:

ClinVar aggregate classification (germline): Likely benign (1 of 4 stars; one submission).

Conditions:
KIDINS220-related disorder. Also called: KIDINS220-related condition.

gnomAD v4.1: 3 of 1,594,940 alleles (0.00019%); highest among the groups gnomAD compares: African/African-American, 0.0027%; no homozygotes.

Submission:

PreventionGenetics, part of Exact Sciences
Classification: Likely benign for KIDINS220-related condition. Last evaluated: 2026-04-06. Review status: criteria provided, single submitter. Criteria: ACMG Guidelines, 2015. Collection method: clinical testing. Allele origin: germline.
Comment: This variant is classified as likely benign based on ACMG/AMP sequence variant interpretation guidelines (Richards et al. 2015 PMID: 25741868, with internal and published modifications).

NM_020738.4(KIDINS220):c.3190+7A>G

Gene: KIDINS220 (kinase D interacting substrate 220; minus strand). Cytogenetic location: 2p25.1.
Variant type: single nucleotide variant.
Coding change: c.3190+7A>G on transcript NM_020738.4 (MANE Select); 7 bases into the intron after coding-DNA position 3190, A replaced by G.
Molecular consequence: intron variant.
Genome position (GRCh38, 1-based): chr2:8,751,459, T>C on the plus strand (A>G on the coding strand, the complement: KIDINS220 is on the minus strand). VCF-style: chr2-8751459-T-C. GRCh37 (hg19) VCF-style: chr2-8891589-T-C.
Other names: c.3190+7A>G (NM_001348741.2, NM_001348738.2, NM_001348742.2 and 3 more transcripts); c.3193+7A>G (NM_001348739.2, NM_001348740.2, NM_001348734.2 and 2 more transcripts); c.3064+7A>G (NM_001348736.2).
Identifiers: ClinVar variation 4996383 (VCV004996383.1).